The following is an entry in ClinVar:

ClinVar aggregate classification (germline): Uncertain significance (1 of 4 stars; one submission).

Allele frequency attached by ClinVar (database versions not stated): gnomAD exomes below 0.00001; ExAC 0.00001; gnomAD 0.00001.

Submission:

Labcorp Genetics (formerly Invitae), Labcorp
Classification: Uncertain significance. Last evaluated: 2021-08-27. Review status: criteria provided, single submitter. Criteria: Invitae Variant Classification Sherloc (09022015). Collection method: clinical testing. Allele origin: germline.
Comment: In summary, the available evidence is currently insufficient to determine the role of this variant in disease. Therefore, it has been classified as a Variant of Uncertain Significance. Algorithms developed to predict the effect of missense changes on protein structure and function are either unavailable or do not agree on the potential impact of this missense change (SIFT: "Deleterious"; PolyPhen-2: "Probably Damaging"; Align-GVGD: "Class C0"). This variant has not been reported in the literature in individuals affected with FGF3-related conditions. This variant is present in population databases (rs781984680, ExAC 0.006%). This sequence change replaces serine with asparagine at codon 74 of the FGF3 protein (p.Ser74Asn). The serine residue is moderately conserved and there is a small physicochemical difference between serine and asparagine.

NM_005247.4(FGF3):c.221G>A (p.Ser74Asn)

Gene: FGF3 (fibroblast growth factor 3; minus strand). Cytogenetic location: 11q13.3.
Variant type: single nucleotide variant.
Coding change: c.221G>A on transcript NM_005247.4 (MANE Select); coding-DNA position 221, G replaced by A.
Protein change: p.Ser74Asn; replaces serine 74 with asparagine.
Molecular consequence: missense variant.
Genome position (GRCh38, 1-based): chr11:69,816,423, C>T on the plus strand (G>A on the coding strand, the complement: FGF3 is on the minus strand). VCF-style: chr11-69816423-C-T. GRCh37 (hg19) VCF-style: chr11-69631191-C-T.
Other names: short protein forms S74N.
Identifiers: ClinVar variation 1348936 (VCV001348936.6), dbSNP rs781984680, ClinGen allele CA6157160.